The following is an entry in ClinVar:

NM_005765.3(ATP6AP2):c.472C>T (p.Leu158=)

Gene: ATP6AP2 (ATPase H+ transporting accessory protein 2; plus strand). Cytogenetic location: Xp11.4.
Variant type: single nucleotide variant.
Coding change: c.472C>T on transcript NM_005765.3 (MANE Select); coding-DNA position 472, C replaced by T.
Protein change: p.Leu158=; no amino-acid change (leucine 158 retained).
Molecular consequence: synonymous variant.
Genome position (GRCh38, 1-based): chrX:40,597,602, C>T. VCF-style: chrX-40597602-C-T. GRCh37 (hg19) VCF-style: chrX-40456854-C-T.
Identifiers: ClinVar variation 697712 (VCV000697712.13), dbSNP rs372993268, ClinGen allele CA10387219.
Genomic context (GRCh38, chrX:40,597,602, plus strand): 5'-GGGAAGGCAAACTCAGTGTTTGAAGACCTTTCAGTCACCTTGCGCCAGCTCCGTAATCGC[C>T]TGTTTCAAGAAAACTCTGTTCTCAGTTCACTCCCCCTCAATTCTCTGAGTAGGAACAATG-3'
Protein context (NP_005756.2, residues 148-168): SVTLRQLRNR[Leu158=]FQENSVLSSL

ClinVar aggregate classification (germline): Likely benign. Review status: criteria provided, multiple submitters, no conflicts (2 of 4 stars). 3 submissions from 3 submitters: Likely benign (2). 1 of the submissions does not count toward it. Last evaluated 2026-01-24.

Conditions:
ATP6AP2-related disorder. Identifiers: MedGen CN294805, MONDO:0100146.
Intellectual developmental disorder, X-linked, syndromic, Hedera type. Also called: Syndromic X-linked intellectual disability Hedera type. Identifiers: Orphanet 93952, MedGen C1845543, MONDO:0010319, OMIM 300423.

Allele frequency attached by ClinVar (database versions not stated): gnomAD 0.00007 and 0.00006; gnomAD exomes 0.00001 and 0.00003; ExAC 0.00001; TOPMed 0.00005; ESP Exome Variant Server 0.00009.
gnomAD v4.1: 35 of 1,208,255 alleles (0.0029%); highest among the groups gnomAD compares: Non-Finnish European, 0.0037%; no homozygotes.

Submissions (3):

Labcorp Genetics (formerly Invitae), Labcorp
Classification: Likely benign for Intellectual developmental disorder, X-linked, syndromic, Hedera type. Last evaluated: 2026-01-24. Review status: criteria provided, single submitter. Criteria: Invitae Variant Classification Sherloc (09022015). Collection method: clinical testing. Allele origin: germline.

GeneDx
Classification: Likely benign. Last evaluated: 2019-04-03. Review status: criteria provided, single submitter. Criteria: GeneDx Variant Classification Process June 2021. Collection method: clinical testing. Allele origin: germline. Affected: yes.

PreventionGenetics, part of Exact Sciences
Classification: Likely benign for ATP6AP2-related condition. Last evaluated: 2019-06-17. Review status: no assertion criteria provided. Collection method: clinical testing. Allele origin: germline. Not counted in ClinVar's aggregate classification.
Comment: This variant is classified as likely benign based on ACMG/AMP sequence variant interpretation guidelines (Richards et al. 2015 PMID: 25741868, with internal and published modifications).